The following is an entry in ClinVar:

ClinVar aggregate classification (germline): Uncertain significance (1 of 4 stars; one submission).

Submission:

Labcorp Genetics (formerly Invitae), Labcorp
Classification: Uncertain significance. Last evaluated: 2025-10-26. Review status: criteria provided, single submitter. Criteria: Invitae Variant Classification Sherloc (09022015). Collection method: clinical testing. Allele origin: germline.
Comment: This sequence change replaces tyrosine, which is neutral and polar, with histidine, which is basic and polar, at codon 713 of the KIF20A protein (p.Tyr713His). This variant is not present in population databases (gnomAD no frequency). This variant has not been reported in the literature in individuals affected with KIF20A-related conditions. An algorithm developed to predict the effect of missense changes on protein structure and function (PolyPhen-2) suggests that this variant is likely to be disruptive. In summary, the available evidence is currently insufficient to determine the role of this variant in disease. Therefore, it has been classified as a Variant of Uncertain Significance.

NM_005733.3(KIF20A):c.2137T>C (p.Tyr713His)

Gene: KIF20A (kinesin family member 20A; plus strand). Cytogenetic location: 5q31.2.
Variant type: single nucleotide variant.
Coding change: c.2137T>C on transcript NM_005733.3 (MANE Select); coding-DNA position 2137, T replaced by C.
Protein change: p.Tyr713His; replaces tyrosine 713 with histidine.
Molecular consequence: missense variant.
Genome position (GRCh38, 1-based): chr5:138,185,972, T>C. VCF-style: chr5-138185972-T-C. GRCh37 (hg19) VCF-style: chr5-137521661-T-C.
Other names: short protein forms Y713H.
Identifiers: ClinVar variation 4808294 (VCV004808294.1).
Genomic context (GRCh38, chr5:138,185,972, plus strand): 5'-AGGCTAAAAAAACCCCACATATTTTAAGTTTCCTGTTTCCTTCCCTCAGAGTTGCATAAG[T>C]ATCAGAAAATGTTAGAACCACCACCCTCAGCCAAGCCCTTCACCATTGATGTGGACAAGA-3'
Protein context (NP_005724.1, residues 703-723): LNSTTEELHK[Tyr713His]QKMLEPPPSA